The following is an entry in ClinVar:

ClinVar aggregate classification (germline): Uncertain significance. Review status: criteria provided, multiple submitters, no conflicts (2 of 4 stars). 2 submissions from 2 submitters: Uncertain significance (2). Last evaluated 2022-08-16.

Allele frequency attached by ClinVar (database versions not stated): gnomAD exomes 0.00008 and 0.00010; ExAC 0.00013; 1000 Genomes Project 30x 0.00016; TOPMed 0.00019; 1000 Genomes Project 0.00020; gnomAD 0.00021 and 0.00024; ESP Exome Variant Server 0.00031.
gnomAD v4.1: 142 of 1,614,044 alleles (0.0088%); highest among the groups gnomAD compares: African/African-American, 0.084%; no homozygotes.

Submissions (2):

Labcorp Genetics (formerly Invitae), Labcorp
Classification: Uncertain significance. Last evaluated: 2022-08-16. Review status: criteria provided, single submitter. Criteria: Invitae Variant Classification Sherloc (09022015). Collection method: clinical testing. Allele origin: germline.
Comment: This sequence change replaces alanine, which is neutral and non-polar, with threonine, which is neutral and polar, at codon 708 of the LIG1 protein (p.Ala708Thr). This variant is present in population databases (rs140087554, gnomAD 0.07%). This variant has not been reported in the literature in individuals affected with LIG1-related conditions. ClinVar contains an entry for this variant (Variation ID: 1431969). Algorithms developed to predict the effect of missense changes on protein structure and function (SIFT, PolyPhen-2, Align-GVGD) all suggest that this variant is likely to be tolerated. In summary, the available evidence is currently insufficient to determine the role of this variant in disease. Therefore, it has been classified as a Variant of Uncertain Significance.

Breakthrough Genomics
Classification: Uncertain significance. Review status: criteria provided, single submitter. Criteria: ACMG Guidelines, 2015. Collection method: not provided. Allele origin: germline. Inheritance: Autosomal dominant inheritance. Affected: yes.

NM_000234.3(LIG1):c.2122G>A (p.Ala708Thr)

Gene: LIG1 (DNA ligase 1; minus strand). Cytogenetic location: 19q13.33.
Variant type: single nucleotide variant.
Coding change: c.2122G>A on transcript NM_000234.3 (MANE Select); coding-DNA position 2122, G replaced by A.
Protein change: p.Ala708Thr; replaces alanine 708 with threonine.
Molecular consequence: missense variant. On other transcripts: non-coding transcript variant (6).
Genome position (GRCh38, 1-based): chr19:48,123,201, C>T on the plus strand (G>A on the coding strand, the complement: LIG1 is on the minus strand). VCF-style: chr19-48123201-C-T. GRCh37 (hg19) VCF-style: chr19-48626458-C-T.
Other names: c.2029G>A, p.Ala677Thr (NM_001289063.2); c.1918G>A, p.Ala640Thr (NM_001289064.2); c.2119G>A, p.Ala707Thr (NM_001320970.2); c.2032G>A, p.Ala678Thr (NM_001320971.2); short protein forms A640T, A707T, A708T, A677T, A678T.
Identifiers: ClinVar variation 1431969 (VCV001431969.4), dbSNP rs140087554, ClinGen allele CA9546547.
Genomic context (GRCh38, chr19:48,123,201, plus strand): 5'-CAGACCTCAGGAGAGAAAAGTGAGCACCCTCACCTTTCACTGACTGCTCCAGGAACTCGG[C>T]GATCTGCTCGATGTCCTTGGTGTCCAGGGAGGTGGCGAAGACAAACTCGCCCTCTGTCTC-3'
Protein context (NP_000225.1, residues 698-718): SLDTKDIEQI[Ala708Thr]EFLEQSVKDS